The following is an entry in ClinVar:

ClinVar aggregate classification (germline): Likely benign (0 of 4 stars; one submission).

Conditions:
COL4A2-related disorder. Also called: COL4A2-related disorders; COL4A2-related condition.

gnomAD v4.1: 1 of 1,594,548 alleles (0.000063%); highest among the groups gnomAD compares: Non-Finnish European, 0.000085%; no homozygotes.

Submission:

PreventionGenetics, part of Exact Sciences
Classification: Likely benign for COL4A2-related condition. Last evaluated: 2024-09-05. Review status: no assertion criteria provided. Collection method: clinical testing. Allele origin: germline.
Comment: This variant is classified as likely benign based on ACMG/AMP sequence variant interpretation guidelines (Richards et al. 2015 PMID: 25741868, with internal and published modifications).

NM_001846.4(COL4A2):c.3026-6C>G

Gene: COL4A2 (collagen type IV alpha 2 chain; plus strand). Cytogenetic location: 13q34.
Variant type: single nucleotide variant.
Coding change: c.3026-6C>G on transcript NM_001846.4 (MANE Select); 6 bases into the intron before coding-DNA position 3026, C replaced by G.
Molecular consequence: intron variant.
Genome position (GRCh38, 1-based): chr13:110,485,649, C>G. VCF-style: chr13-110485649-C-G. GRCh37 (hg19) VCF-style: chr13-111137996-C-G.
Identifiers: ClinVar variation 3354364 (VCV003354364.1).